The following is an entry in ClinVar:

ClinVar aggregate classification (germline): Uncertain significance (1 of 4 stars; one submission).

Conditions:
Muscular dystrophy-dystroglycanopathy (congenital with brain and eye anomalies), type A13. Also called: WALKER-WARBURG SYNDROME OR MUSCLE-EYE-BRAIN DISEASE, B3GNT1-RELATED; Muscular dystrophy-dystroglycanopathy (congenital with brain and eye anomalies), type a, 13. Identifiers: Orphanet 899, MedGen C3809042, MONDO:0014120, OMIM 615287.

Submission:

Labcorp Genetics (formerly Invitae), Labcorp
Classification: Uncertain significance for Muscular dystrophy-dystroglycanopathy (congenital with brain and eye anomalies), type A13. Last evaluated: 2020-02-12. Review status: criteria provided, single submitter. Criteria: Invitae Variant Classification Sherloc (09022015). Collection method: clinical testing. Allele origin: germline.
Comment: This sequence change replaces arginine with histidine at codon 162 of the B4GAT1 protein (p.Arg162His). The arginine residue is moderately conserved and there is a small physicochemical difference between arginine and histidine. This variant is not present in population databases (ExAC no frequency). This variant has not been reported in the literature in individuals with B4GAT1-related disease. Algorithms developed to predict the effect of missense changes on protein structure and function (SIFT, PolyPhen-2, Align-GVGD) all suggest that this variant is likely to be tolerated, but these predictions have not been confirmed by published functional studies and their clinical significance is uncertain. In summary, the available evidence is currently insufficient to determine the role of this variant in disease. Therefore, it has been classified as a Variant of Uncertain Significance.

NM_006876.3(B4GAT1):c.485G>A (p.Arg162His)

Gene: B4GAT1 (beta-1,4-glucuronyltransferase 1; minus strand). Cytogenetic location: 11q13.2.
Variant type: single nucleotide variant.
Coding change: c.485G>A on transcript NM_006876.3 (MANE Select); coding-DNA position 485, G replaced by A.
Protein change: p.Arg162His; replaces arginine 162 with histidine.
Molecular consequence: missense variant.
Genome position (GRCh38, 1-based): chr11:66,347,061, C>T on the plus strand (G>A on the coding strand, the complement: B4GAT1 is on the minus strand). VCF-style: chr11-66347061-C-T. GRCh37 (hg19) VCF-style: chr11-66114532-C-T.
Other names: short protein forms R162H.
Identifiers: ClinVar variation 580561 (VCV000580561.8), dbSNP rs1565209634, ClinGen allele CA381418287.